The following is an entry in ClinVar:

NM_006231.4(POLE):c.2197_2201dup (p.His735fs)

Gene: POLE (DNA polymerase epsilon, catalytic subunit; minus strand). Cytogenetic location: 12q24.33.
Variant type: Duplication.
Coding change: c.2197_2201dup on transcript NM_006231.4 (MANE Select); coding-DNA positions 2197 to 2201, 5 bases duplicated (AAGAT; older notation c.2197_2201dupAAGAT).
Protein change: p.His735fs; shifts the reading frame from histidine 735.
Molecular consequence: frameshift variant.
Genome position (GRCh38, 1-based): chr12:132,667,621-132,667,625, ATCTT duplicated on the plus strand (AAGAT on the coding strand, the reverse complement: POLE is on the minus strand). VCF-style (leftmost placement, unchanged base first): chr12-132667620-G-GATCTT. GRCh37 (hg19) VCF-style: chr12-133244206-G-GATCTT.
Other names: short protein forms H735fs.
Identifiers: ClinVar variation 820868 (VCV000820868.13), dbSNP rs1593790219, ClinGen allele CA915946744.

ClinVar aggregate classification (germline): Conflicting classifications of pathogenicity. Review status: criteria provided, conflicting classifications (1 of 4 stars). 2 submissions from 2 submitters: Pathogenic (1); Uncertain significance (1). Last evaluated 2026-01-21.

Conditions:
Hereditary cancer-predisposing syndrome. Also called: Tumor predisposition; Neoplastic Syndromes, Hereditary; Hereditary Cancer Syndrome; Hereditary neoplastic syndrome. Identifiers: Orphanet 140162, MedGen C0027672, MeSH D009386, MONDO:0015356.

Submissions (2):

Ambry Genetics
Classification: Uncertain significance for Hereditary cancer-predisposing syndrome. Last evaluated: 2026-01-21. Review status: criteria provided, single submitter. Criteria: Ambry Variant Classification Scheme 2023. Collection method: clinical testing. Allele origin: germline.
Comment: The c.2197_2201dupAAGAT variant, located in coding exon 20 of the POLE gene, results from a duplication of AAGAT at nucleotide position 2197, causing a translational frameshift with a predicted alternate stop codon (p.H735Rfs*59). This alteration is expected to result in loss of function by premature protein truncation or nonsense-mediated mRNA decay. Although biallelic loss of function of POLE has been associated with autosomal recessive POLE deficiency, haploinsufficiency of POLE has not been established as a mechanism of disease for POLE-related polymerase proofreading-associated polyposis (PPAP) and POLE-related CMMRD-like syndrome. Based on the supporting evidence, this variant is expected to be causative of POLE deficiency when present along with a second pathogenic variant on the other allele; however, its clinical significance for PPAP and POLE-related CMMRD-like syndrome is unclear.

Labcorp Genetics (formerly Invitae), Labcorp
Classification: Pathogenic. Last evaluated: 2026-01-19. Review status: criteria provided, single submitter. Criteria: Invitae Variant Classification Sherloc (09022015). Collection method: clinical testing. Allele origin: germline.
Comment: This sequence change creates a premature translational stop signal (p.His735Argfs*59) in the POLE gene. It is expected to result in an absent or disrupted protein product. Loss-of-function variants in POLE are known to be pathogenic (PMID: 23230001, 25948378, 30503519). This variant is not present in population databases (gnomAD no frequency). This variant has not been reported in the literature in individuals affected with POLE-related conditions. ClinVar contains an entry for this variant (Variation ID: 820868). For these reasons, this variant has been classified as Pathogenic.

Literature cited by the submitters: PubMed 23230001 (cited by Labcorp Genetics (formerly Invitae), Labcorp); PubMed 25948378 (cited by Labcorp Genetics (formerly Invitae), Labcorp); PubMed 30503519 (cited by Labcorp Genetics (formerly Invitae), Labcorp).